The following is an entry in ClinVar:

NM_004444.5(EPHB4):c.828C>G (p.Phe276Leu)

Gene: EPHB4 (EPH receptor B4; minus strand). Cytogenetic location: 7q22.1.
Variant type: single nucleotide variant.
Coding change: c.828C>G on transcript NM_004444.5 (MANE Select); coding-DNA position 828, C replaced by G.
Protein change: p.Phe276Leu; replaces phenylalanine 276 with leucine.
Molecular consequence: missense variant.
Genome position (GRCh38, 1-based): chr7:100,820,277, G>C on the plus strand (C>G on the coding strand, the complement: EPHB4 is on the minus strand). VCF-style: chr7-100820277-G-C. GRCh37 (hg19) VCF-style: chr7-100417899-G-C.
Other names: short protein forms F276L.
Identifiers: ClinVar variation 4249962 (VCV004249962.1).

ClinVar aggregate classification (germline): Uncertain significance (1 of 4 stars; one submission).

Conditions:
Cardiovascular phenotype. Identifiers: MedGen CN230736.

Submission:

Ambry Genetics
Classification: Uncertain significance for Cardiovascular phenotype. Last evaluated: 2025-07-22. Review status: criteria provided, single submitter. Criteria: Ambry Variant Classification Scheme 2023. Collection method: clinical testing. Allele origin: germline.
Comment: The p.F276L variant (also known as c.828C>G), located in coding exon 5 of the EPHB4 gene, results from a C to G substitution at nucleotide position 828. The phenylalanine at codon 276 is replaced by leucine, an amino acid with highly similar properties. This amino acid position is conserved. In addition, this alteration is predicted to be tolerated by in silico analysis. Based on the available evidence, the clinical significance of this variant remains unclear.